The following is an entry in ClinVar:

ClinVar aggregate classification (germline): Pathogenic. Review status: criteria provided, multiple submitters, no conflicts (2 of 4 stars). 2 submissions from 2 submitters: Pathogenic (2). Last evaluated 2023-07-17.

Conditions:
Long QT syndrome 2 (LQT2). Identifiers: Orphanet 101016, Orphanet 768, MedGen C3150943, MONDO:0013367, OMIM 613688.
Long QT syndrome (LQTS). Identifiers: MedGen C0023976, MeSH D008133, MONDO:0002442. Disease mechanism: loss of function. Inheritance: Various modes of inheritance.

Submissions (2):

Victorian Clinical Genetics Services, Murdoch Childrens Research Institute
Classification: Pathogenic for Long QT syndrome 2. Last evaluated: 2023-07-17. Review status: criteria provided, single submitter. Criteria: ACMG Guidelines, 2015. Collection method: clinical testing. Allele origin: germline. Inheritance: Autosomal dominant inheritance. Affected: yes.
Comment: Based on the classification scheme VCGS_Germline_v1.3.4, this variant is classified as Pathogenic. Following criteria are met: 0103 - Dominant negative and loss of function are known mechanisms of disease in this gene and are associated with long QT syndrome 2 (MIM#613688). Gain of function is also a known mechanism associated with short QT syndrome 1 (MIM#609620) (OMIM, PMID: 10753933; PMID: 21777565). (I) 0107 - This gene is associated with autosomal dominant disease. (I) 0112 - The condition associated with this gene has incomplete penetrance (PMID: 20301308). (I) 0201 - Variant is predicted to cause nonsense-mediated decay (NMD) and loss of protein (premature termination codon is located at least 54 nucleotides upstream of the final exon-exon junction). (SP) 0251 - This variant is heterozygous. (I) 0301 - Variant is absent from gnomAD (both v2 and v3). (SP) 0701 - Other premature termination variants comparable to the one identified in this case have very strong previous evidence for pathogenicity. Many NMD-predicted variants in this gene have been reported as likely pathogenic/pathogenic (ClinVar). (SP) 0803 - This variant has limited previous evidence of pathogenicity in an unrelated individual(s). This variant has been classified as pathogenic by a clinical testing laboratory (ClinVar). (SP) 0905 - No published segregation evidence has been identified for this variant. (I) 1007 - No published functional evidence has been identified for this variant. (I) 1208 - Inheritance information for this variant is not currently available in this individual. (I) Legend: (SP) - Supporting pathogenic, (I) - Information, (SB) - Supporting benign

Labcorp Genetics (formerly Invitae), Labcorp
Classification: Pathogenic for Long QT syndrome. Last evaluated: 2022-03-08. Review status: criteria provided, single submitter. Criteria: Invitae Variant Classification Sherloc (09022015). Collection method: clinical testing. Allele origin: germline.
Comment: For these reasons, this variant has been classified as Pathogenic. This variant has not been reported in the literature in individuals affected with KCNH2-related conditions. This variant is not present in population databases (gnomAD no frequency). This sequence change creates a premature translational stop signal (p.Ala915Glnfs*59) in the KCNH2 gene. It is expected to result in an absent or disrupted protein product. Loss-of-function variants in KCNH2 are known to be pathogenic (PMID: 10973849, 19862833).

Literature cited by the submitters: PubMed 10753933 (cited by Victorian Clinical Genetics Services, Murdoch Childrens Research Institute); PubMed 20301308 (cited by Victorian Clinical Genetics Services, Murdoch Childrens Research Institute); PubMed 21777565 (cited by Victorian Clinical Genetics Services, Murdoch Childrens Research Institute); PubMed 10973849 (cited by Labcorp Genetics (formerly Invitae), Labcorp); PubMed 19862833 (cited by Labcorp Genetics (formerly Invitae), Labcorp).

NM_000238.4(KCNH2):c.2743del (p.Ala915fs)

Gene: KCNH2 (potassium voltage-gated channel subfamily H member 2; minus strand). Cytogenetic location: 7q36.1.
Variant type: Deletion.
Coding change: c.2743del on transcript NM_000238.4 (MANE Select); coding-DNA position 2743, one base deleted (G; older notation c.2743delG).
Protein change: p.Ala915fs; shifts the reading frame from alanine 915.
Molecular consequence: frameshift variant.
Genome position (GRCh38, 1-based): chr7:150,947,828, C deleted on the plus strand (G on the coding strand, the reverse complement: KCNH2 is on the minus strand); the first of 5 consecutive C bases (chr7:150,947,828-150,947,832); deleting any one gives the same sequence. VCF-style (leftmost placement, unchanged base first): chr7-150947827-GC-G. GRCh37 (hg19) VCF-style: chr7-150644915-GC-G.
Other names: c.1723del, p.Ala575fs (NM_172057.3); c.2743delG (NM_000238.3); short protein forms A575fs, A915fs.
Identifiers: ClinVar variation 1420193 (VCV001420193.7), dbSNP rs2116933842, ClinGen allele CA2573141853.